The following is an entry in ClinVar:

ClinVar aggregate classification (germline): Uncertain significance (1 of 4 stars; one submission).

Conditions:
Cardiovascular phenotype. Identifiers: MedGen CN230736.

Submission:

Ambry Genetics
Classification: Uncertain significance for Cardiovascular phenotype. Last evaluated: 2024-02-24. Review status: criteria provided, single submitter. Criteria: Ambry Variant Classification Scheme 2023. Collection method: clinical testing. Allele origin: germline.
Comment: The p.Q1563L variant (also known as c.4688A>T), located in coding exon 17 of the AKAP9 gene, results from an A to T substitution at nucleotide position 4688. The glutamine at codon 1563 is replaced by leucine, an amino acid with dissimilar properties. This amino acid position is conserved. In addition, this alteration is predicted to be tolerated by in silico analysis. Based on the available evidence, the clinical significance of this alteration remains unclear.

NM_005751.5(AKAP9):c.4688A>T (p.Gln1563Leu)

Gene: AKAP9 (A-kinase anchoring protein 9; plus strand). Cytogenetic location: 7q21.2.
Variant type: single nucleotide variant.
Coding change: c.4688A>T on transcript NM_005751.5 (MANE Select); coding-DNA position 4688, A replaced by T.
Protein change: p.Gln1563Leu; replaces glutamine 1563 with leucine.
Molecular consequence: missense variant.
Genome position (GRCh38, 1-based): chr7:92,038,768, A>T. VCF-style: chr7-92038768-A-T. GRCh37 (hg19) VCF-style: chr7-91668082-A-T.
Other names: c.4688A>T, p.Gln1563Leu (NM_147185.3); short protein forms Q1563L.
Identifiers: ClinVar variation 3225062 (VCV003225062.1), dbSNP rs2484808792, ClinGen allele CA368129332.